The following is an entry in ClinVar:

ClinVar aggregate classification (germline): Uncertain significance (1 of 4 stars; one submission).

gnomAD v4.1: 21 of 1,596,214 alleles (0.0013%); highest among the groups gnomAD compares: Admixed American, 0.038%; no homozygotes.

Submission:

Labcorp Genetics (formerly Invitae), Labcorp
Classification: Uncertain significance. Last evaluated: 2024-12-19. Review status: criteria provided, single submitter. Criteria: Invitae Variant Classification Sherloc (09022015). Collection method: clinical testing. Allele origin: germline.
Comment: This sequence change replaces lysine, which is basic and polar, with glutamine, which is neutral and polar, at codon 91 of the PYROXD1 protein (p.Lys91Gln). This variant is present in population databases (no rsID available, gnomAD 0.02%). This variant has not been reported in the literature in individuals affected with PYROXD1-related conditions. Invitae Evidence Modeling of protein sequence and biophysical properties (such as structural, functional, and spatial information, amino acid conservation, physicochemical variation, residue mobility, and thermodynamic stability) indicates that this missense variant is not expected to disrupt PYROXD1 protein function with a negative predictive value of 80%. In summary, the available evidence is currently insufficient to determine the role of this variant in disease. Therefore, it has been classified as a Variant of Uncertain Significance.

NM_024854.5(PYROXD1):c.271A>C (p.Lys91Gln)

Gene: PYROXD1 (pyridine nucleotide-disulphide oxidoreductase domain 1; plus strand). Cytogenetic location: 12p12.1.
Variant type: single nucleotide variant.
Coding change: c.271A>C on transcript NM_024854.5 (MANE Select); coding-DNA position 271, A replaced by C.
Protein change: p.Lys91Gln; replaces lysine 91 with glutamine.
Molecular consequence: missense variant. On other transcripts: 5 prime UTR variant (1).
Genome position (GRCh38, 1-based): chr12:21,445,452, A>C. VCF-style: chr12-21445452-A-C. GRCh37 (hg19) VCF-style: chr12-21598386-A-C.
Other names: c.58A>C, p.Lys20Gln (NM_001350912.2); c.-433A>C (NM_001350913.2); short protein forms K20Q, K91Q.
Identifiers: ClinVar variation 3682808 (VCV003682808.2).